The following is an entry in ClinVar:

NM_001042492.3(NF1):c.8188C>T (p.Leu2730Phe)

Gene: NF1 (neurofibromin 1; plus strand). Cytogenetic location: 17q11.2.
Variant type: single nucleotide variant.
Coding change: c.8188C>T on transcript NM_001042492.3 (MANE Select); coding-DNA position 8188, C replaced by T.
Protein change: p.Leu2730Phe; replaces leucine 2730 with phenylalanine.
Molecular consequence: missense variant.
Genome position (GRCh38, 1-based): chr17:31,360,514, C>T. VCF-style: chr17-31360514-C-T. GRCh37 (hg19) VCF-style: chr17-29687532-C-T.
Other names: c.8125C>T, p.Leu2709Phe (NM_000267.4); short protein forms L2709F, L2730F.
Identifiers: ClinVar variation 1063666 (VCV001063666.5), dbSNP rs2151587710, ClinGen allele CA399204446.
Genomic context (GRCh38, chr17:31,360,514, plus strand): 5'-GGAACTAAAATAATTTCCTATTTTCCATTACAGCAAACACAAATTCCAGACTATGCTGAG[C>T]TTATTGTTAAGTTTCTTGATGCCTTGATTGACACGTACCTGCCTGGAATTGATGAAGAAA-3'
Protein context (NP_001035957.1, residues 2720-2740): KQTQIPDYAE[Leu2730Phe]IVKFLDALID

ClinVar aggregate classification (germline): Uncertain significance (1 of 4 stars; one submission).

Conditions:
Neurofibromatosis, type 1 (NF1). Also called: NEUROFIBROMATOSIS, TYPE I, SOMATIC; Neurofibromatosis, type I; VON RECKLINGHAUSEN DISEASE; Peripheral type neurofibromatosis. Identifiers: Orphanet 636, MedGen C0027831, MONDO:0018975, OMIM 162200. Disease mechanism: loss of function.

Submission:

Labcorp Genetics (formerly Invitae), Labcorp
Classification: Uncertain significance for Neurofibromatosis, type 1. Last evaluated: 2024-10-01. Review status: criteria provided, single submitter. Criteria: Invitae Variant Classification Sherloc (09022015). Collection method: clinical testing. Allele origin: germline.
Comment: This sequence change replaces leucine, which is neutral and non-polar, with phenylalanine, which is neutral and non-polar, at codon 2709 of the NF1 protein (p.Leu2709Phe). This variant is not present in population databases (gnomAD no frequency). This variant has not been reported in the literature in individuals affected with NF1-related conditions. ClinVar contains an entry for this variant (Variation ID: 1063666). Invitae Evidence Modeling of protein sequence and biophysical properties (such as structural, functional, and spatial information, amino acid conservation, physicochemical variation, residue mobility, and thermodynamic stability) indicates that this missense variant is expected to disrupt NF1 protein function with a positive predictive value of 95%. In summary, the available evidence is currently insufficient to determine the role of this variant in disease. Therefore, it has been classified as a Variant of Uncertain Significance.